The following is an entry in ClinVar:

NM_005359.6(SMAD4):c.1325A>G (p.Gln442Arg)

Gene: SMAD4 (SMAD family member 4; plus strand). Cytogenetic location: 18q21.2.
Variant type: single nucleotide variant.
Coding change: c.1325A>G on transcript NM_005359.6 (MANE Select); coding-DNA position 1325, A replaced by G.
Protein change: p.Gln442Arg; replaces glutamine 442 with arginine.
Molecular consequence: missense variant. On other transcripts: non-coding transcript variant (1).
Genome position (GRCh38, 1-based): chr18:51,076,654, A>G. VCF-style: chr18-51076654-A-G. GRCh37 (hg19) VCF-style: chr18-48603024-A-G.
Other names: c.1325A>G, p.Gln442Arg (NM_001407041.1, NM_001407042.1); short protein forms Q442R.
Identifiers: ClinVar variation 3384619 (VCV003384619.2).

ClinVar aggregate classification (germline): Uncertain significance (1 of 4 stars; one submission).

Submission:

GeneDx
Classification: Uncertain significance. Last evaluated: 2025-09-25. Review status: criteria provided, single submitter. Criteria: GeneDx Variant Classification Process June 2021. Collection method: clinical testing. Allele origin: germline.
Comment: Not observed at significant frequency in large population cohorts (gnomAD); In silico analysis supports that this missense variant has a deleterious effect on protein structure/function; Has not been previously published as pathogenic or benign to our knowledge; In silico analysis suggests this variant may impact gene splicing. In the absence of RNA/functional studies, the actual effect of this sequence change is unknown.; Located in the critical MH2 domain (PMID: 15235019, 17873119, 18823382); This variant is associated with the following publications: (PMID: 15235019, 17873119, 18823382)